The following is an entry in ClinVar:

NM_000038.6(APC):c.6719C>T (p.Ser2240Phe)

Gene: APC (APC regulator of Wnt signaling pathway; plus strand). Cytogenetic location: 5q22.2.
Variant type: single nucleotide variant.
Coding change: c.6719C>T on transcript NM_000038.6 (MANE Select); coding-DNA position 6719, C replaced by T.
Protein change: p.Ser2240Phe; replaces serine 2240 with phenylalanine.
Molecular consequence: missense variant.
Genome position (GRCh38, 1-based): chr5:112,842,313, C>T. VCF-style: chr5-112842313-C-T. GRCh37 (hg19) VCF-style: chr5-112178010-C-T.
Other names: c.6719C>T, p.Ser2240Phe (NM_001127510.3, NM_001354895.2); c.6665C>T, p.Ser2222Phe (NM_001127511.3); c.6773C>T, p.Ser2258Phe (NM_001354896.2); c.6749C>T, p.Ser2250Phe (NM_001354897.2); c.6644C>T, p.Ser2215Phe (NM_001354898.2); c.6635C>T, p.Ser2212Phe (NM_001354899.2); c.6596C>T, p.Ser2199Phe (NM_001354900.2); c.6542C>T, p.Ser2181Phe (NM_001354901.2); and 5 more; short protein forms S2114F, S2199F, S2212F, S2080F, S2258F, S2149F, S2215F, S1957F.
Identifiers: ClinVar variation 659850 (VCV000659850.14), dbSNP rs779116760, ClinGen allele CA045868.
Genomic context (GRCh38, chr5:112,842,313, plus strand): 5'-ACATGCCTTCAATCTCTCGAGGCAGGACAATGATTCATATTCCAGGAGTTCGAAATAGCT[C>T]CTCAAGTACAAGTCCTGTTTCTAAAAAAGGCCCACCCCTTAAGACTCCAGCCTCCAAAAG-3'
Protein context (NP_000029.2, residues 2230-2250): MIHIPGVRNS[Ser2240Phe]SSTSPVSKKG

ClinVar aggregate classification (germline): Uncertain significance. Review status: criteria provided, multiple submitters, no conflicts (2 of 4 stars). 3 submissions from 3 submitters: Uncertain significance (3). Last evaluated 2025-05-05.

Conditions:
Familial adenomatous polyposis 1 (FAP1). Also called: FAMILIAL ADENOMATOUS POLYPOSIS 1, ATTENUATED; POLYPOSIS, ADENOMATOUS INTESTINAL. Identifiers: MedGen C2713442, MONDO:0021056, OMIM 175100. Disease mechanism: loss of function.
Hereditary cancer-predisposing syndrome. Also called: Neoplastic Syndromes, Hereditary; Hereditary Cancer Syndrome; Tumor predisposition; Hereditary neoplastic syndrome. Identifiers: Orphanet 140162, MedGen C0027672, MeSH D009386, MONDO:0015356.

Allele frequency attached by ClinVar (database versions not stated): gnomAD exomes below 0.00001; ExAC 0.00001; gnomAD 0.00001.
gnomAD v4.1: 2 of 1,613,720 alleles (0.00012%); no homozygotes.

Submissions (3):

Labcorp Genetics (formerly Invitae), Labcorp
Classification: Uncertain significance for Familial adenomatous polyposis 1. Last evaluated: 2025-05-05. Review status: criteria provided, single submitter. Criteria: Invitae Variant Classification Sherloc (09022015). Collection method: clinical testing. Allele origin: germline.
Comment: This sequence change replaces serine, which is neutral and polar, with phenylalanine, which is neutral and non-polar, at codon 2240 of the APC protein (p.Ser2240Phe). This variant is present in population databases (rs779116760, gnomAD 0.008%). This variant has not been reported in the literature in individuals affected with APC-related conditions. ClinVar contains an entry for this variant (Variation ID: 659850). Invitae Evidence Modeling of protein sequence and biophysical properties (such as structural, functional, and spatial information, amino acid conservation, physicochemical variation, residue mobility, and thermodynamic stability) indicates that this missense variant is not expected to disrupt APC protein function with a negative predictive value of 95%. In summary, the available evidence is currently insufficient to determine the role of this variant in disease. Therefore, it has been classified as a Variant of Uncertain Significance.

Ambry Genetics
Classification: Uncertain significance for Hereditary cancer-predisposing syndrome. Last evaluated: 2023-07-19. Review status: criteria provided, single submitter. Criteria: Ambry Variant Classification Scheme 2023. Collection method: clinical testing. Allele origin: germline.
Comment: The p.S2240F variant (also known as c.6719C>T), located in coding exon 15 of the APC gene, results from a C to T substitution at nucleotide position 6719. The serine at codon 2240 is replaced by phenylalanine, an amino acid with highly dissimilar properties. This amino acid position is highly conserved in available vertebrate species. In addition, in silico predictors for this gene do not accurately predict pathogenicity. Since supporting evidence is limited at this time, the clinical significance of this alteration remains unclear.

Blueprint Genetics
Classification: Uncertain significance. Last evaluated: 2021-12-28. Review status: criteria provided, single submitter. Criteria: ACMG Guidelines, 2015. Collection method: clinical testing. Allele origin: germline.